The following is an entry in ClinVar:

ClinVar aggregate classification (germline): Benign. Review status: criteria provided, multiple submitters, no conflicts (2 of 4 stars). 5 submissions from 5 submitters: Benign (4). 1 of the submissions does not count toward it. Last evaluated 2026-07-01.

Conditions:
GALNT2-related disorder. Also called: GALNT2-related condition.

Allele frequency attached by ClinVar (database versions not stated): 1000 Genomes Project 0.00819; 1000 Genomes Project 30x 0.00890; ExAC 0.00960; TOPMed 0.01017; ESP Exome Variant Server 0.01115.
gnomAD v4.1: 16,118 of 1,613,692 alleles (1%); highest among the groups gnomAD compares: Middle Eastern, 2.1%; 100 homozygotes.

Submissions (5):

CeGaT Center for Human Genetics Tuebingen
Classification: Benign. Last evaluated: 2026-07-01. Review status: criteria provided, single submitter. Criteria: CeGaT Center For Human Genetics Tuebingen Variant Classification Criteria Version 2. Collection method: clinical testing. Allele origin: germline. Affected: yes. Observed: 14 variant alleles.
Comment: GALNT2: BP4, BP7, BS1, BS2

Labcorp Genetics (formerly Invitae), Labcorp
Classification: Benign. Last evaluated: 2026-01-18. Review status: criteria provided, single submitter. Criteria: Invitae Variant Classification Sherloc (09022015). Collection method: clinical testing. Allele origin: germline.

Mayo Clinic Laboratories, Mayo Clinic
Classification: Benign. Last evaluated: 2024-12-03. Review status: criteria provided, single submitter. Criteria: ACMG Guidelines, 2015. Collection method: clinical testing. Allele origin: germline. Observed: 1 variant allele.
Comment: BA1

Breakthrough Genomics
Classification: Benign. Review status: criteria provided, single submitter. Criteria: ACMG Guidelines, 2015. Collection method: not provided. Allele origin: germline. Inheritance: Autosomal recessive inheritance. Affected: yes.

PreventionGenetics, part of Exact Sciences
Classification: Benign for GALNT2-related condition. Last evaluated: 2024-01-08. Review status: no assertion criteria provided. Collection method: clinical testing. Allele origin: germline. Not counted in ClinVar's aggregate classification.
Comment: This variant is classified as benign based on ACMG/AMP sequence variant interpretation guidelines (Richards et al. 2015 PMID: 25741868, with internal and published modifications).

NM_004481.5(GALNT2):c.492G>A (p.Pro164=)

Gene: GALNT2 (polypeptide N-acetylgalactosaminyltransferase 2; plus strand). Cytogenetic location: 1q42.13.
Variant type: single nucleotide variant.
Coding change: c.492G>A on transcript NM_004481.5 (MANE Select); coding-DNA position 492, G replaced by A.
Protein change: p.Pro164=; no amino-acid change (proline 164 retained).
Molecular consequence: synonymous variant.
Genome position (GRCh38, 1-based): chr1:230,236,371, G>A. VCF-style: chr1-230236371-G-A. GRCh37 (hg19) VCF-style: chr1-230372117-G-A.
Other names: p.Pro164=; c.378G>A, p.Pro126= (NM_001291866.2).
Identifiers: ClinVar variation 769555 (VCV000769555.34), dbSNP rs34897003, ClinGen allele CA1446170.
Genomic context (GRCh38, chr1:230,236,371, plus strand): 5'-CCCTAAAAGACCTATAAACTTTATCTTCTTGTCTTTTCTTAGCGTGCTTAAGAAAAGCCC[G>A]CCCCATCTCATAAAAGAAATCATCTTGGTGGATGACTACAGCAATGATCGTGAGTACTGA-3'
Protein context (NP_004472.1, residues 154-174): RTVVSVLKKS[Pro164=]PHLIKEIILV